The following is an entry in ClinVar:

NM_001024630.4(RUNX2):c.505C>T (p.Arg169Trp)

Gene: RUNX2 (RUNX family transcription factor 2; plus strand). Cytogenetic location: 6p21.1.
Variant type: single nucleotide variant.
Coding change: c.505C>T on transcript NM_001024630.4 (MANE Select); coding-DNA position 505, C replaced by T.
Protein change: p.Arg169Trp; replaces arginine 169 with tryptophan.
Molecular consequence: missense variant.
Genome position (GRCh38, 1-based): chr6:45,431,944, C>T. VCF-style: chr6-45431944-C-T. GRCh37 (hg19) VCF-style: chr6-45399681-C-T.
Other names: c.505C>T, p.Arg169Trp (NM_001015051.4); c.463C>T, p.Arg155Trp (NM_001278478.2, NM_001369405.1); c.505C>T (NM_001024630.3); short protein forms R155W, R169W.
Identifiers: ClinVar variation 916703 (VCV000916703.39), dbSNP rs1203066173, ClinGen allele CA363960137.

ClinVar aggregate classification (germline): Pathogenic/Likely pathogenic. Review status: criteria provided, multiple submitters, no conflicts (2 of 4 stars). 4 submissions from 4 submitters: Pathogenic (1); Likely pathogenic (2). 1 of the submissions does not count toward it. Last evaluated 2026-02-12.

Conditions:
Cleidocranial dysostosis (CLCD1). Also called: Marie-Sainton disease; cleidocranial dysplasia 1; Cleidocranial Dysplasia Spectrum Disorder. Identifiers: Orphanet 1452, MedGen C0008928, MONDO:0007340, OMIM 119600.

Allele frequency attached by ClinVar (database versions not stated): gnomAD exomes below 0.00001.
gnomAD v4.1: 5 of 1,614,058 alleles (0.00031%); highest among the groups gnomAD compares: South Asian, 0.0011%; no homozygotes.

Submissions (4):

GeneDx
Classification: Likely pathogenic. Last evaluated: 2026-02-12. Review status: criteria provided, single submitter. Criteria: GeneDx Variant Classification Process June 2021. Collection method: clinical testing. Allele origin: germline.
Comment: Published functional studies demonstrate a damaging effect (PMID: 40177069); Not observed at significant frequency in large population cohorts (gnomAD); In silico analysis supports that this missense variant has a deleterious effect on protein structure/function; This variant is associated with the following publications: (PMID: 40177069, 33987976, 38702915)

Labcorp Genetics (formerly Invitae), Labcorp
Classification: Pathogenic. Last evaluated: 2025-11-02. Review status: criteria provided, single submitter. Criteria: Invitae Variant Classification Sherloc (09022015). Collection method: clinical testing. Allele origin: germline.
Comment: This sequence change replaces arginine, which is basic and polar, with tryptophan, which is neutral and slightly polar, at codon 169 of the RUNX2 protein (p.Arg169Trp). This variant is present in population databases (no rsID available, gnomAD 0.003%). This missense change has been observed in individuals with clinical features of cleidocranial dysplasia (PMID: 33987976; internal data). ClinVar contains an entry for this variant (Variation ID: 916703). Invitae Evidence Modeling of protein sequence and biophysical properties (such as structural, functional, and spatial information, amino acid conservation, physicochemical variation, residue mobility, and thermodynamic stability) indicates that this missense variant is expected to disrupt RUNX2 protein function with a positive predictive value of 80%. This variant disrupts the p.Arg169 amino acid residue in RUNX2. Other variant(s) that disrupt this residue have been observed in individuals with RUNX2-related conditions (PMID: 10545612, 12424590), which suggests that this may be a clinically significant amino acid residue. For these reasons, this variant has been classified as Pathogenic.

CeGaT Center for Human Genetics Tuebingen
Classification: Likely pathogenic. Last evaluated: 2025-02-01. Review status: criteria provided, single submitter. Criteria: CeGaT Center For Human Genetics Tuebingen Variant Classification Criteria Version 2. Collection method: clinical testing. Allele origin: germline. Affected: yes. Observed: 2 variant alleles.
Comment: RUNX2: PM1, PM5, PS4:Moderate, PM2:Supporting, PP3

Istanbul Faculty of Medicine, Istanbul University
Classification: Likely pathogenic for Cleidocranial dysplasia. Last evaluated: 2020-05-23. Review status: no assertion criteria provided. Collection method: clinical testing. Allele origin: unknown. Affected: yes. Observed: 2 variant alleles. Not counted in ClinVar's aggregate classification.
Comment: Segregates in family

Literature cited by the submitters: PubMed 33987976 (cited by Labcorp Genetics (formerly Invitae), Labcorp and Istanbul Faculty of Medicine, Istanbul University); PubMed 10545612 (cited by Labcorp Genetics (formerly Invitae), Labcorp); PubMed 12424590 (cited by Labcorp Genetics (formerly Invitae), Labcorp).